The following is an entry in ClinVar:

NM_000038.6(APC):c.4053T>C (p.Ala1351=)

Gene: APC (APC regulator of Wnt signaling pathway; plus strand). Cytogenetic location: 5q22.2.
Variant type: single nucleotide variant.
Coding change: c.4053T>C on transcript NM_000038.6 (MANE Select); coding-DNA position 4053, T replaced by C.
Protein change: p.Ala1351=; no amino-acid change (alanine 1351 retained).
Molecular consequence: synonymous variant.
Genome position (GRCh38, 1-based): chr5:112,839,647, T>C. VCF-style: chr5-112839647-T-C. GRCh37 (hg19) VCF-style: chr5-112175344-T-C.
Other names: c.4053T>C, p.Ala1351= (NM_001127510.3, NM_001354895.2); c.3999T>C, p.Ala1333= (NM_001127511.3); c.4107T>C, p.Ala1369= (NM_001354896.2); c.4083T>C, p.Ala1361= (NM_001354897.2); c.3978T>C, p.Ala1326= (NM_001354898.2); c.3969T>C, p.Ala1323= (NM_001354899.2); c.3930T>C, p.Ala1310= (NM_001354900.2); c.3876T>C, p.Ala1292= (NM_001354901.2); and 5 more.
Identifiers: ClinVar variation 630602 (VCV000630602.15), dbSNP rs773727399, ClinGen allele CA037476.

ClinVar aggregate classification (germline): Benign/Likely benign. Review status: criteria provided, multiple submitters, no conflicts (2 of 4 stars). 5 submissions from 5 submitters: Benign (1); Likely benign (4). Last evaluated 2025-11-24.

Conditions:
Classic or attenuated familial adenomatous polyposis. Identifiers: MedGen CN372698, MONDO:0021057.
Hereditary cancer-predisposing syndrome. Also called: Tumor predisposition; Neoplastic Syndromes, Hereditary; Hereditary neoplastic syndrome; Hereditary Cancer Syndrome. Identifiers: Orphanet 140162, MedGen C0027672, MeSH D009386, MONDO:0015356.
Familial adenomatous polyposis 1 (FAP1). Also called: POLYPOSIS, ADENOMATOUS INTESTINAL; FAMILIAL ADENOMATOUS POLYPOSIS 1, ATTENUATED. Identifiers: MedGen C2713442, MONDO:0021056, OMIM 175100. Disease mechanism: loss of function.

Allele frequency attached by ClinVar (database versions not stated): ExAC 0.00001; gnomAD exomes 0.00001.
gnomAD v4.1: 11 of 1,614,098 alleles (0.00068%); highest among the groups gnomAD compares: East Asian, 0.0067%; no homozygotes.

Submissions (5):

Labcorp Genetics (formerly Invitae), Labcorp
Classification: Likely benign for Familial adenomatous polyposis 1. Last evaluated: 2025-11-24. Review status: criteria provided, single submitter. Criteria: Invitae Variant Classification Sherloc (09022015). Collection method: clinical testing. Allele origin: germline.

Myriad Genetics, Inc.
Classification: Benign for Familial adenomatous polyposis 1. Last evaluated: 2024-03-25. Review status: criteria provided, single submitter. Criteria: Myriad Autosomal Dominant, Autosomal Recessive and X-Linked Classification Criteria (2023). Collection method: clinical testing. Allele origin: unknown.
Comment: This variant is considered benign. This variant is a silent/synonymous amino acid change and it is not expected to impact splicing.

All of Us Research Program, National Institutes of Health
Classification: Likely benign for Classic or attenuated familial adenomatous polyposis. Last evaluated: 2023-02-24. Review status: criteria provided, single submitter. Criteria: ACMG Guidelines, 2015. Collection method: clinical testing. Allele origin: germline. Inheritance: Autosomal dominant inheritance. Observed: 1 variant allele, 1 heterozygote.
Comment: This study involves interpretation of variants in research participants for the purpose of population health screening. Participant phenotype was not available at the time of variant classification. Additional details can be found in publication PMID: 35346344, PMCID: PMC8962531

Ambry Genetics
Classification: Likely benign for Hereditary cancer-predisposing syndrome. Last evaluated: 2019-03-09. Review status: criteria provided, single submitter. Criteria: Ambry Variant Classification Scheme 2023. Collection method: clinical testing. Allele origin: germline.

Color Diagnostics, LLC DBA Color Health
Classification: Likely benign for Hereditary cancer-predisposing syndrome. Last evaluated: 2017-11-30. Review status: criteria provided, single submitter. Criteria: ACMG Guidelines, 2015. Collection method: clinical testing. Allele origin: germline.